The following is an entry in ClinVar:

NM_002519.3(NPAT):c.2912T>C (p.Met971Thr)

Gene: NPAT (nuclear protein, coactivator of histone transcription; minus strand). Cytogenetic location: 11q22.3.
Variant type: single nucleotide variant.
Coding change: c.2912T>C on transcript NM_002519.3 (MANE Select); coding-DNA position 2912, T replaced by C.
Protein change: p.Met971Thr; replaces methionine 971 with threonine.
Molecular consequence: missense variant.
Genome position (GRCh38, 1-based): chr11:108,169,842, A>G on the plus strand (T>C on the coding strand, the complement: NPAT is on the minus strand). VCF-style: chr11-108169842-A-G. GRCh37 (hg19) VCF-style: chr11-108040569-A-G.
Other names: c.2912T>C, p.Met971Thr (NM_001321307.1); short protein forms M971T.
Identifiers: ClinVar variation 1797599 (VCV001797599.2), dbSNP rs530682216, ClinGen allele CA6263702.
Genomic context (GRCh38, chr11:108,169,842, plus strand): 5'-GATTTTGGAGGGACGGGGAATTGAGGGATACTTCTATTGCATACAGGTGCTGTCAAAGGC[A>G]TATGAAGAACCTGGAAGAGAAAAAGCCATTAATTACACTAAGCTTGAAAAGCATCACCAC-3'
Protein context (NP_002510.2, residues 961-981): FSTPPRQVLH[Met971Thr]PLTAPVCNRS

ClinVar aggregate classification (germline): Uncertain significance (1 of 4 stars; one submission).

Allele frequency attached by ClinVar (database versions not stated): gnomAD exomes below 0.00001; gnomAD 0.00001; ExAC 0.00002; 1000 Genomes Project 0.00020; 1000 Genomes Project 30x 0.00047.
gnomAD v4.1: 9 of 1,613,870 alleles (0.00056%); highest among the groups gnomAD compares: South Asian, 0.0077%; no homozygotes.

Submission:

Ambry Genetics
Classification: Uncertain significance. Last evaluated: 2021-07-20. Review status: criteria provided, single submitter. Criteria: Ambry Variant Classification Scheme 2023. Collection method: clinical testing. Allele origin: germline.
Comment: The p.M971T variant (also known as c.2912T>C), located in coding exon 15 of the NPAT gene, results from a T to C substitution at nucleotide position 2912. The methionine at codon 971 is replaced by threonine, an amino acid with similar properties. This amino acid position is conserved. In addition, this alteration is predicted to be tolerated by in silico analysis. Since supporting evidence is limited at this time, the clinical significance of this alteration remains unclear.